The following is an entry in ClinVar:

NM_015047.3(EMC1):c.305A>G (p.Asn102Ser)

Gene: EMC1 (ER membrane protein complex subunit 1; minus strand). Cytogenetic location: 1p36.13.
Variant type: single nucleotide variant.
Coding change: c.305A>G on transcript NM_015047.3 (MANE Select); coding-DNA position 305, A replaced by G.
Protein change: p.Asn102Ser; replaces asparagine 102 with serine.
Molecular consequence: missense variant.
Genome position (GRCh38, 1-based): chr1:19,243,689, T>C on the plus strand (A>G on the coding strand, the complement: EMC1 is on the minus strand). VCF-style: chr1-19243689-T-C. GRCh37 (hg19) VCF-style: chr1-19570183-T-C.
Other names: c.305A>G, p.Asn102Ser (NM_001271427.2, NM_001271428.2, NM_001375820.1 and 1 more transcripts); c.239A>G, p.Asn80Ser (NM_001271429.2); c.305A>G (NM_015047.1); short protein forms N102S, N80S.
Identifiers: ClinVar variation 842236 (VCV000842236.10), dbSNP rs371844391, ClinGen allele CA652964.

ClinVar aggregate classification (germline): Conflicting classifications of pathogenicity. Review status: criteria provided, conflicting classifications (1 of 4 stars). 4 submissions from 4 submitters: Uncertain significance (3); Benign (1). Last evaluated 2026-02-03.

Conditions:
Inborn genetic diseases. Identifiers: MedGen C0950123, MeSH D030342.
Cerebellar atrophy, visual impairment, and psychomotor retardation;. Also called: Cerebellar atrophy, visual impairment, and psychomotor retardation. Identifiers: MedGen C4225172, MONDO:0014811, OMIM 616875.

Allele frequency attached by ClinVar (database versions not stated): ExAC 0.00012; gnomAD exomes 0.00013; ESP Exome Variant Server 0.00015; gnomAD 0.00015 and 0.00016; TOPMed 0.00023.

Submissions (4):

Labcorp Genetics (formerly Invitae), Labcorp
Classification: Uncertain significance. Last evaluated: 2026-02-03. Review status: criteria provided, single submitter. Criteria: Invitae Variant Classification Sherloc (09022015). Collection method: clinical testing. Allele origin: germline.
Comment: This sequence change replaces asparagine, which is neutral and polar, with serine, which is neutral and polar, at codon 102 of the EMC1 protein (p.Asn102Ser). This variant is present in population databases (rs371844391, gnomAD 0.1%). This variant has not been reported in the literature in individuals affected with EMC1-related conditions. ClinVar contains an entry for this variant (Variation ID: 842236). Invitae Evidence Modeling of protein sequence and biophysical properties (such as structural, functional, and spatial information, amino acid conservation, physicochemical variation, residue mobility, and thermodynamic stability) indicates that this missense variant is not expected to disrupt EMC1 protein function with a negative predictive value of 80%. In summary, the available evidence is currently insufficient to determine the role of this variant in disease. Therefore, it has been classified as a Variant of Uncertain Significance.

Ambry Genetics
Classification: Uncertain significance for Inborn genetic diseases. Last evaluated: 2025-11-24. Review status: criteria provided, single submitter. Criteria: Ambry Variant Classification Scheme 2023. Collection method: clinical testing. Allele origin: germline.

Blueprint Genetics
Classification: Benign. Last evaluated: 2024-07-25. Review status: criteria provided, single submitter. Criteria: ACMG Guidelines, 2015. Collection method: clinical testing. Allele origin: germline.

Baylor Genetics
Classification: Uncertain significance for Cerebellar atrophy, visual impairment, and psychomotor retardation;. Last evaluated: 2018-06-18. Review status: criteria provided, single submitter. Criteria: ACMG Guidelines, 2015. Collection method: clinical testing. Allele origin: maternal. Affected: yes.
Comment: This variant was determined to be of uncertain significance according to ACMG Guidelines, 2015 [PMID:25741868].